The following is an entry in ClinVar:

NM_001605.3(AARS1):c.563G>A (p.Ser188Asn)

Gene: AARS1 (alanyl-tRNA synthetase 1; minus strand). Cytogenetic location: 16q22.1.
Variant type: single nucleotide variant.
Coding change: c.563G>A on transcript NM_001605.3 (MANE Select); coding-DNA position 563, G replaced by A.
Protein change: p.Ser188Asn; replaces serine 188 with asparagine.
Molecular consequence: missense variant.
Genome position (GRCh38, 1-based): chr16:70,271,889, C>T on the plus strand (G>A on the coding strand, the complement: AARS1 is on the minus strand). VCF-style: chr16-70271889-C-T. GRCh37 (hg19) VCF-style: chr16-70305792-C-T.
Other names: short protein forms S188N.
Identifiers: ClinVar variation 3719448 (VCV003719448.2).

ClinVar aggregate classification (germline): Uncertain significance (1 of 4 stars; one submission).

Conditions:
Charcot-Marie-Tooth disease type 2. Also called: Charcot-Marie-Tooth type 2. Identifiers: Orphanet 64746, MedGen C0270914, MONDO:0018993.

Submission:

Labcorp Genetics (formerly Invitae), Labcorp
Classification: Uncertain significance for Charcot-Marie-Tooth disease type 2. Last evaluated: 2024-12-07. Review status: criteria provided, single submitter. Criteria: Invitae Variant Classification Sherloc (09022015). Collection method: clinical testing. Allele origin: germline.
Comment: This sequence change replaces serine, which is neutral and polar, with asparagine, which is neutral and polar, at codon 188 of the AARS protein (p.Ser188Asn). This variant is present in population databases (rs780580386, gnomAD 0.003%). This variant has not been reported in the literature in individuals affected with AARS-related conditions. Invitae Evidence Modeling of protein sequence and biophysical properties (such as structural, functional, and spatial information, amino acid conservation, physicochemical variation, residue mobility, and thermodynamic stability) has been performed for this missense variant. However, the output from this modeling did not meet the statistical confidence thresholds required to predict the impact of this variant on AARS protein function. In summary, the available evidence is currently insufficient to determine the role of this variant in disease. Therefore, it has been classified as a Variant of Uncertain Significance.